The following is an entry in ClinVar:

NM_001080421.3(UNC13A):c.2187-8C>T

Gene: UNC13A (unc-13 homolog A; minus strand). Cytogenetic location: 19p13.11.
Variant type: single nucleotide variant.
Coding change: c.2187-8C>T on transcript NM_001080421.3 (MANE Select); 8 bases into the intron before coding-DNA position 2187, C replaced by T.
Molecular consequence: intron variant.
Genome position (GRCh38, 1-based): chr19:17,645,851, G>A on the plus strand (C>T on the coding strand, the complement: UNC13A is on the minus strand). VCF-style: chr19-17645851-G-A. GRCh37 (hg19) VCF-style: chr19-17756660-G-A.
Other names: c.2181-8C>T (NM_001387022.1, NM_001387023.1, NM_001387021.1).
Identifiers: ClinVar variation 3046185 (VCV003046185.2), dbSNP rs373437720, ClinGen allele CA9298302.

ClinVar aggregate classification (germline): Likely benign (0 of 4 stars; one submission).

Conditions:
UNC13A-related disorder. Also called: UNC13A-related condition.

Allele frequency attached by ClinVar (database versions not stated): gnomAD exomes 0.00005; ExAC 0.00022; 1000 Genomes Project 0.00040; ESP Exome Variant Server 0.00040; gnomAD 0.00043; TOPMed 0.00048.
gnomAD v4.1: 135 of 1,599,572 alleles (0.0084%); highest among the groups gnomAD compares: African/African-American, 0.12%; no homozygotes.

Submission:

PreventionGenetics, part of Exact Sciences
Classification: Likely benign for UNC13A-related condition. Last evaluated: 2019-10-28. Review status: no assertion criteria provided. Collection method: clinical testing. Allele origin: germline.
Comment: This variant is classified as likely benign based on ACMG/AMP sequence variant interpretation guidelines (Richards et al. 2015 PMID: 25741868, with internal and published modifications).